The following is an entry in ClinVar:

NM_001164508.2(NEB):c.2135A>T (p.Asp712Val)

Gene: NEB (nebulin; minus strand). Cytogenetic location: 2q23.3.
Variant type: single nucleotide variant.
Coding change: c.2135A>T on transcript NM_001164508.2 (MANE Select); coding-DNA position 2135, A replaced by T.
Protein change: p.Asp712Val; replaces aspartic acid 712 with valine.
Molecular consequence: missense variant.
Genome position (GRCh38, 1-based): chr2:151,691,940, T>A on the plus strand (A>T on the coding strand, the complement: NEB is on the minus strand). VCF-style: chr2-151691940-T-A. GRCh37 (hg19) VCF-style: chr2-152548454-T-A.
Other names: c.2135A>T, p.Asp712Val (NM_001164507.2, NM_001271208.2, NM_004543.5); c.2135A>T (NM_004543.4); short protein forms D712V.
Identifiers: ClinVar variation 1449183 (VCV001449183.4), dbSNP rs563934691, ClinGen allele CA1911312.

ClinVar aggregate classification (germline): Uncertain significance. Review status: criteria provided, multiple submitters, no conflicts (2 of 4 stars). 2 submissions from 2 submitters: Uncertain significance (2). Last evaluated 2024-01-22.

Conditions:
Inborn genetic diseases. Identifiers: MedGen C0950123, MeSH D030342.
Nemaline myopathy 2 (NEM2). Also called: Nemaline myopathy 2, autosomal recessive. Identifiers: MedGen C1850569, MONDO:0009725, OMIM 256030.

Allele frequency attached by ClinVar (database versions not stated): ExAC 0.00001; gnomAD 0.00001; gnomAD exomes 0.00001; 1000 Genomes Project 30x 0.00016; 1000 Genomes Project 0.00020.
gnomAD v4.1: 4 of 1,610,906 alleles (0.00025%); highest among the groups gnomAD compares: East Asian, 0.0045%; no homozygotes.

Submissions (2):

Ambry Genetics
Classification: Uncertain significance for Inborn genetic diseases. Last evaluated: 2024-01-22. Review status: criteria provided, single submitter. Criteria: Ambry Variant Classification Scheme 2023. Collection method: clinical testing. Allele origin: germline.

Labcorp Genetics (formerly Invitae), Labcorp
Classification: Uncertain significance for Nemaline myopathy 2. Last evaluated: 2022-10-31. Review status: criteria provided, single submitter. Criteria: Invitae Variant Classification Sherloc (09022015). Collection method: clinical testing. Allele origin: germline.
Comment: This sequence change replaces aspartic acid, which is acidic and polar, with valine, which is neutral and non-polar, at codon 712 of the NEB protein (p.Asp712Val). This variant is present in population databases (rs563934691, gnomAD 0.006%). This variant has not been reported in the literature in individuals affected with NEB-related conditions. ClinVar contains an entry for this variant (Variation ID: 1449183). Algorithms developed to predict the effect of missense changes on protein structure and function are either unavailable or do not agree on the potential impact of this missense change (SIFT: "Deleterious"; PolyPhen-2: "Not Available"; Align-GVGD: "Class C0"). In summary, the available evidence is currently insufficient to determine the role of this variant in disease. Therefore, it has been classified as a Variant of Uncertain Significance.